The following is an entry in ClinVar:

ClinVar aggregate classification (germline): Benign. Review status: criteria provided, multiple submitters, no conflicts (2 of 4 stars). 5 submissions from 5 submitters: Benign (4). 1 of the submissions does not count toward it. Last evaluated 2026-02-04.

Conditions:
Mitochondrial complex I deficiency. Also called: NADH:Q(1) OXIDOREDUCTASE DEFICIENCY. Identifiers: Orphanet 2609, MedGen C1838979, MeSH C537475, MONDO:0100133.

Allele frequency attached by ClinVar (database versions not stated): gnomAD exomes 0.01067; ExAC 0.01248; gnomAD 0.03846 and 0.04132; ESP Exome Variant Server 0.04383; TOPMed 0.04493; 1000 Genomes Project 0.04553; 1000 Genomes Project 30x 0.04653.
gnomAD v4.1: 12,435 of 1,613,756 alleles (0.77%); highest among the groups gnomAD compares: African/African-American, 13%; 657 homozygotes.

Submissions (5):

Labcorp Genetics (formerly Invitae), Labcorp
Classification: Benign. Last evaluated: 2026-02-04. Review status: criteria provided, single submitter. Criteria: Invitae Variant Classification Sherloc (09022015). Collection method: clinical testing. Allele origin: germline.

Mayo Clinic Laboratories, Mayo Clinic
Classification: Benign. Last evaluated: 2022-06-19. Review status: criteria provided, single submitter. Criteria: ACMG Guidelines, 2015. Collection method: clinical testing. Allele origin: germline. Observed: 42 variant alleles.

GeneDx
Classification: Benign. Last evaluated: 2014-04-25. Review status: criteria provided, single submitter. Criteria: GeneDx Variant Classification (06012015). Collection method: clinical testing. Allele origin: germline. Affected: yes.
Comment: This variant is considered likely benign or benign based on one or more of the following criteria: it is a conservative change, it occurs at a poorly conserved position in the protein, it is predicted to be benign by multiple in silico algorithms, and/or has population frequency not consistent with disease.

Breakthrough Genomics
Classification: Benign. Review status: criteria provided, single submitter. Criteria: ACMG Guidelines, 2015. Collection method: not provided. Allele origin: germline. Inheritance: Autosomal recessive inheritance. Affected: yes.

Natera, Inc.
Classification: Benign for Mitochondrial complex I deficiency. Last evaluated: 2020-09-16. Review status: no assertion criteria provided. Collection method: clinical testing. Allele origin: germline. Not counted in ClinVar's aggregate classification.

NM_024120.5(NDUFAF5):c.849G>A (p.Ala283=)

Gene: NDUFAF5 (NADH:ubiquinone oxidoreductase complex assembly factor 5; plus strand). Cytogenetic location: 20p12.1.
Variant type: single nucleotide variant.
Coding change: c.849G>A on transcript NM_024120.5 (MANE Select); coding-DNA position 849, G replaced by A.
Protein change: p.Ala283=; no amino-acid change (alanine 283 retained).
Molecular consequence: synonymous variant. On other transcripts: non-coding transcript variant (7).
Genome position (GRCh38, 1-based): chr20:13,816,533, G>A. VCF-style: chr20-13816533-G-A. GRCh37 (hg19) VCF-style: chr20-13797179-G-A.
Other names: p.A283A:GCG>GCA; p.Ala283=; c.765G>A, p.Ala255= (NM_001039375.3); c.378G>A, p.Ala126= (NM_001352403.2); c.288G>A, p.Ala96= (NM_001352406.2, NM_001352407.2).
Identifiers: ClinVar variation 136599 (VCV000136599.13), dbSNP rs34901599, ClinGen allele CA289770.